The following is an entry in ClinVar:

NM_001126108.2(SLC12A3):c.348G>A (p.Gly116=)

Gene: SLC12A3 (solute carrier family 12 member 3; plus strand). Cytogenetic location: 16q13.
Variant type: single nucleotide variant.
Coding change: c.348G>A on transcript NM_001126108.2 (MANE Select); coding-DNA position 348, G replaced by A.
Protein change: p.Gly116=; no amino-acid change (glycine 116 retained).
Molecular consequence: synonymous variant.
Genome position (GRCh38, 1-based): chr16:56,867,135, G>A. VCF-style: chr16-56867135-G-A. GRCh37 (hg19) VCF-style: chr16-56901047-G-A.
Other names: c.348G>A, p.Gly116= (NM_000339.3); c.345G>A, p.Gly115= (NM_001126107.2).
Identifiers: ClinVar variation 752938 (VCV000752938.19), dbSNP rs149890322, ClinGen allele CA8068992.
Genomic context (GRCh38, chr16:56,867,135, plus strand): 5'-AGGCAGACACCTGCATGCCCTGGCCTTTGACAGCCGGCCCAGCCACGAGATGACTGATGG[G>A]CTGGTGGAGGGCGAGGCAGGCACCAGCAGCGAGAAGAACCCCGAGGAGCCAGTGCGCTTC-3'
Protein context (NP_001119580.2, residues 106-126): DSRPSHEMTD[Gly116=]LVEGEAGTSS

ClinVar aggregate classification (germline): Likely benign. Review status: criteria provided, multiple submitters, no conflicts (2 of 4 stars). 4 submissions from 4 submitters: Likely benign (3). 1 of the submissions does not count toward it. Last evaluated 2025-07-01.

Conditions:
Familial hypokalemia-hypomagnesemia (GTLMNS). Also called: HYPOMAGNESEMIA-HYPOKALEMIA, PRIMARY RENOTUBULAR, WITH HYPOCALCIURIA; POTASSIUM AND MAGNESIUM DEPLETION; gitelman syndrome. Identifiers: Orphanet 358, MedGen C0268450, MONDO:0009904, OMIM 263800.

Allele frequency attached by ClinVar (database versions not stated): gnomAD exomes 0.00001; ExAC 0.00002; TOPMed 0.00002; gnomAD 0.00003; ESP Exome Variant Server 0.00015.
gnomAD v4.1: 92 of 1,613,960 alleles (0.0057%); highest among the groups gnomAD compares: Non-Finnish European, 0.0074%; no homozygotes.

Submissions (4):

CeGaT Center for Human Genetics Tuebingen
Classification: Likely benign. Last evaluated: 2025-07-01. Review status: criteria provided, single submitter. Criteria: CeGaT Center For Human Genetics Tuebingen Variant Classification Criteria Version 2. Collection method: clinical testing. Allele origin: germline. Affected: yes. Observed: 1 variant allele.
Comment: SLC12A3: BP4, BP7

Labcorp Genetics (formerly Invitae), Labcorp
Classification: Likely benign. Last evaluated: 2024-01-21. Review status: criteria provided, single submitter. Criteria: Invitae Variant Classification Sherloc (09022015). Collection method: clinical testing. Allele origin: germline.

Blueprint Genetics
Classification: Likely benign. Last evaluated: 2023-06-23. Review status: criteria provided, single submitter. Criteria: ACMG Guidelines, 2015. Collection method: clinical testing. Allele origin: germline.

Natera, Inc.
Classification: Likely benign for Gitelman syndrome. Last evaluated: 2021-03-23. Review status: no assertion criteria provided. Collection method: clinical testing. Allele origin: germline. Not counted in ClinVar's aggregate classification.